The following is an entry in ClinVar:

NM_002558.4(P2RX1):c.428-4C>T

Gene: P2RX1 (purinergic receptor P2X 1; minus strand). Cytogenetic location: 17p13.2.
Variant type: single nucleotide variant.
Coding change: c.428-4C>T on transcript NM_002558.4 (MANE Select); 4 bases into the intron before coding-DNA position 428, C replaced by T.
Molecular consequence: intron variant.
Genome position (GRCh38, 1-based): chr17:3,904,028, G>A on the plus strand (C>T on the coding strand, the complement: P2RX1 is on the minus strand). VCF-style: chr17-3904028-G-A. GRCh37 (hg19) VCF-style: chr17-3807322-G-A.
Identifiers: ClinVar variation 3035960 (VCV003035960.2), dbSNP rs377093813, ClinGen allele CA8296285.
Genomic context (GRCh38, chr17:3,904,028, plus strand): 5'-AGATCTCACACGTCTTCACAGTGTCGTTGAAGGCCACACACTTGCCCGTGCGGATGCCTG[G>A]AGCCAGAGGGAAACCCCTGGGTGCCTGCACTAAACAGAGGAGGCCGCCCCAGACCCCTTC-3'

ClinVar aggregate classification (germline): Likely benign (0 of 4 stars; one submission).

Conditions:
P2RX1-related disorder. Also called: P2RX1-related condition.

Allele frequency attached by ClinVar (database versions not stated): ExAC 0.00003; TOPMed 0.00003; gnomAD 0.00004; ESP Exome Variant Server 0.00008; gnomAD exomes 0.00012.
gnomAD v4.1: 170 of 1,612,834 alleles (0.011%); highest among the groups gnomAD compares: Non-Finnish European, 0.014%; 1 homozygote.

Submission:

PreventionGenetics, part of Exact Sciences
Classification: Likely benign for P2RX1-related condition. Last evaluated: 2020-06-30. Review status: no assertion criteria provided. Collection method: clinical testing. Allele origin: germline.
Comment: This variant is classified as likely benign based on ACMG/AMP sequence variant interpretation guidelines (Richards et al. 2015 PMID: 25741868, with internal and published modifications).